The following is an entry in ClinVar:

ClinVar aggregate classification (germline): Likely benign. Review status: criteria provided, multiple submitters, no conflicts (2 of 4 stars). 2 submissions from 2 submitters: Likely benign (2). Last evaluated 2025-07-01.

Allele frequency attached by ClinVar (database versions not stated): 1000 Genomes Project 30x 0.00016; 1000 Genomes Project 0.00020; gnomAD exomes 0.00026 and 0.00035; ExAC 0.00034; gnomAD 0.00038 and 0.00036; TOPMed 0.00044.
gnomAD v4.1: 453 of 1,613,604 alleles (0.028%); highest among the groups gnomAD compares: Middle Eastern, 0.41%; 4 homozygotes.

Submissions (2):

CeGaT Center for Human Genetics Tuebingen
Classification: Likely benign. Last evaluated: 2025-07-01. Review status: criteria provided, single submitter. Criteria: CeGaT Center For Human Genetics Tuebingen Variant Classification Criteria Version 2. Collection method: clinical testing. Allele origin: germline. Affected: yes. Observed: 2 variant alleles.
Comment: MGA: BP4

Labcorp Genetics (formerly Invitae), Labcorp
Classification: Likely benign. Last evaluated: 2018-06-27. Review status: criteria provided, single submitter. Criteria: Invitae Variant Classification Sherloc (09022015). Collection method: clinical testing. Allele origin: germline.

NM_001400225.1(MGA):c.99T>C (p.Asn33=)

Gene: MGA (MAX dimerization protein MGA; plus strand). Cytogenetic location: 15q15.1.
Variant type: single nucleotide variant.
Coding change: c.99T>C on transcript NM_001400225.1 (MANE Select); coding-DNA position 99, T replaced by C.
Protein change: p.Asn33=; no amino-acid change (asparagine 33 retained).
Molecular consequence: synonymous variant.
Genome position (GRCh38, 1-based): chr15:41,668,993, T>C. VCF-style: chr15-41668993-T-C. GRCh37 (hg19) VCF-style: chr15-41961191-T-C.
Other names: c.99T>C, p.Asn33= (NM_001080541.3, NM_001164273.2, NM_001400242.1 and 5 more transcripts).
Identifiers: ClinVar variation 755291 (VCV000755291.27), dbSNP rs199585187, ClinGen allele CA7495563.
Genomic context (GRCh38, chr15:41,668,993, plus strand): 5'-TGGTGGAACAGTGGCAGGAGCAGCACCTACCTTCTTTGTCATCTTAAAGCAGCCAGGAAA[T>C]GGCAAAACTGATCAAGGAATTTTGGTTACTAATCAGGATGCCTGTGCTTTGGCTAGTAGT-3'
Protein context (NP_001387154.1, residues 23-43): TFFVILKQPG[Asn33=]GKTDQGILVT